The following is an entry in ClinVar:

NM_000361.3(THBD):c.1247A>C (p.Asp416Ala)

Gene: THBD (thrombomodulin; minus strand). Cytogenetic location: 20p11.21.
Variant type: single nucleotide variant.
Coding change: c.1247A>C on transcript NM_000361.3 (MANE Select); coding-DNA position 1247, A replaced by C.
Protein change: p.Asp416Ala; replaces aspartic acid 416 with alanine.
Molecular consequence: missense variant.
Genome position (GRCh38, 1-based): chr20:23,048,258, T>G on the plus strand (A>C on the coding strand, the complement: THBD is on the minus strand). VCF-style: chr20-23048258-T-G. GRCh37 (hg19) VCF-style: chr20-23028895-T-G.
Other names: short protein forms D416A.
Identifiers: ClinVar variation 4280426 (VCV004280426.1).

ClinVar aggregate classification (germline): Uncertain significance (1 of 4 stars; one submission).

Conditions:
Thrombomodulin-related bleeding disorder (THPH12). Also called: Thrombophilia due to thrombomodulin defect. Identifiers: Orphanet 436169, MedGen C3280976, MONDO:0013775, OMIM 614486.

Submission:

Genomenon, Inc
Classification: Uncertain significance for Thrombomodulin-related bleeding disorder. Last evaluated: 2025-09-22. Review status: criteria provided, single submitter. Criteria: Genomenon Sequence Variant Interpretation Standards - Updated. Collection method: curation. Allele origin: germline. Affected: no.
Comment: THBD p.Asp416Ala (c.1247A>C) is a missense variant that changes the amino acid at residue 416 from Aspartic acid to Alanine. This variant has been reported in the published literature (PMID:8381415;10761923). It is absent or not present at a significant frequency in gnomAD. In conclusion, we classify THBD p.Asp416Ala (c.1247A>C) as a variant of unknown significance.

Literature cited by the submitters: PubMed 8381415; PubMed 10761923.